The following is an entry in ClinVar:

ClinVar aggregate classification (germline): Uncertain significance (1 of 4 stars; one submission).

Conditions:
Congenital disorder of deglycosylation (CDDG). Identifiers: MedGen C3808991, MONDO:0031376.

gnomAD v4.1: 12 of 1,613,864 alleles (0.00074%); highest among the groups gnomAD compares: East Asian, 0.0022%; no homozygotes.

Submission:

Labcorp Genetics (formerly Invitae), Labcorp
Classification: Uncertain significance for Congenital disorder of deglycosylation. Last evaluated: 2022-02-11. Review status: criteria provided, single submitter. Criteria: Invitae Variant Classification Sherloc (09022015). Collection method: clinical testing. Allele origin: germline.
Comment: This sequence change affects codon 164 of the NGLY1 mRNA. It is a 'silent' change, meaning that it does not change the encoded amino acid sequence of the NGLY1 protein. This variant also falls at the last nucleotide of exon 3, which is part of the consensus splice site for this exon. This variant is present in population databases (no rsID available, gnomAD 0.006%). This variant has not been reported in the literature in individuals affected with NGLY1-related conditions. Variants that disrupt the consensus splice site are a relatively common cause of aberrant splicing (PMID: 17576681, 9536098). Algorithms developed to predict the effect of sequence changes on RNA splicing suggest that this variant may disrupt the consensus splice site. In summary, the available evidence is currently insufficient to determine the role of this variant in disease. Therefore, it has been classified as a Variant of Uncertain Significance.

Literature cited by the submitters: PubMed 17576681; PubMed 9536098.

NM_018297.4(NGLY1):c.492G>A (p.Thr164=)

Gene: NGLY1 (N-glycanase 1; minus strand). Cytogenetic location: 3p24.2.
Variant type: single nucleotide variant.
Coding change: c.492G>A on transcript NM_018297.4 (MANE Select); coding-DNA position 492, G replaced by A.
Protein change: p.Thr164=; no amino-acid change (threonine 164 retained).
Molecular consequence: synonymous variant.
Genome position (GRCh38, 1-based): chr3:25,764,066, C>T on the plus strand (G>A on the coding strand, the complement: NGLY1 is on the minus strand). VCF-style: chr3-25764066-C-T. GRCh37 (hg19) VCF-style: chr3-25805557-C-T.
Other names: c.492G>A, p.Thr164= (NM_001145293.2, NM_001145295.2); c.366G>A, p.Thr122= (NM_001145294.2).
Identifiers: ClinVar variation 1397847 (VCV001397847.3), dbSNP rs778126026, ClinGen allele CA432847267.